The following is an entry in ClinVar:

NM_001367624.2(ZNF469):c.1143C>G (p.Pro381=)

Gene: ZNF469 (zinc finger protein 469; plus strand). Cytogenetic location: 16q24.2.
Variant type: single nucleotide variant.
Coding change: c.1143C>G on transcript NM_001367624.2 (MANE Select); coding-DNA position 1143, C replaced by G.
Protein change: p.Pro381=; no amino-acid change (proline 381 retained).
Molecular consequence: synonymous variant.
Genome position (GRCh38, 1-based): chr16:88,428,613, C>G. VCF-style: chr16-88428613-C-G. GRCh37 (hg19) VCF-style: chr16-88495021-C-G.
Other names: NM_001127464.2:c.1143C>G.
Identifiers: ClinVar variation 2898494 (VCV002898494.6), dbSNP rs74032864, ClinGen allele CA497353000.

ClinVar aggregate classification (germline): Likely benign. Review status: criteria provided, multiple submitters, no conflicts (2 of 4 stars). 3 submissions from 3 submitters: Likely benign (2). 1 of the submissions does not count toward it. Last evaluated 2024-04-11.

Conditions:
ZNF469-related disorder. Also called: ZNF469-related condition.

gnomAD v4.1: 2 of 1,550,116 alleles (0.00013%); highest among the groups gnomAD compares: Non-Finnish European, 0.000087%; no homozygotes.

Submissions (3):

Blueprint Genetics
Classification: Likely benign. Last evaluated: 2024-04-11. Review status: criteria provided, single submitter. Criteria: ACMG Guidelines, 2015. Collection method: clinical testing. Allele origin: germline.

Labcorp Genetics (formerly Invitae), Labcorp
Classification: Likely benign. Last evaluated: 2023-12-12. Review status: criteria provided, single submitter. Criteria: Invitae Variant Classification Sherloc (09022015). Collection method: clinical testing. Allele origin: germline.

PreventionGenetics, part of Exact Sciences
Classification: Likely benign for ZNF469-related condition. Last evaluated: 2022-04-25. Review status: no assertion criteria provided. Collection method: clinical testing. Allele origin: germline. Not counted in ClinVar's aggregate classification.
Comment: This variant is classified as likely benign based on ACMG/AMP sequence variant interpretation guidelines (Richards et al. 2015 PMID: 25741868, with internal and published modifications).